The following is an entry in ClinVar:

ClinVar aggregate classification (germline): Uncertain significance (1 of 4 stars; one submission).

Conditions:
Chédiak-Higashi syndrome (CHS). Also called: Chediak-Higashi Syndrome. Identifiers: Orphanet 167, MedGen C0007965, MONDO:0008963, OMIM 214500.

Submission:

Labcorp Genetics (formerly Invitae), Labcorp
Classification: Uncertain significance for Chédiak-Higashi syndrome. Last evaluated: 2025-10-03. Review status: criteria provided, single submitter. Criteria: Invitae Variant Classification Sherloc (09022015). Collection method: clinical testing. Allele origin: germline.
Comment: This sequence change replaces isoleucine, which is neutral and non-polar, with leucine, which is neutral and non-polar, at codon 2717 of the LYST protein (p.Ile2717Leu). This variant is not present in population databases (gnomAD no frequency). This variant has not been reported in the literature in individuals affected with LYST-related conditions. An algorithm developed to predict the effect of missense changes on protein structure and function outputs the following: PolyPhen-2: "Benign". The leucine amino acid residue is found in multiple mammalian species, which suggests that this missense change does not adversely affect protein function. In summary, the available evidence is currently insufficient to determine the role of this variant in disease. Therefore, it has been classified as a Variant of Uncertain Significance.

NM_000081.4(LYST):c.8149A>C (p.Ile2717Leu)

Gene: LYST (lysosomal trafficking regulator; minus strand). Cytogenetic location: 1q42.3.
Variant type: single nucleotide variant.
Coding change: c.8149A>C on transcript NM_000081.4 (MANE Select); coding-DNA position 8149, A replaced by C.
Protein change: p.Ile2717Leu; replaces isoleucine 2717 with leucine.
Molecular consequence: missense variant.
Genome position (GRCh38, 1-based): chr1:235,743,981, T>G on the plus strand (A>C on the coding strand, the complement: LYST is on the minus strand). VCF-style: chr1-235743981-T-G. GRCh37 (hg19) VCF-style: chr1-235907281-T-G.
Other names: c.8149A>C, p.Ile2717Leu (NM_001301365.1); short protein forms I2717L.
Identifiers: ClinVar variation 4779101 (VCV004779101.1).